The following is an entry in ClinVar:

NM_018136.5(ASPM):c.8187A>G (p.Lys2729=)

Gene: ASPM (assembly factor for spindle microtubules; minus strand). Cytogenetic location: 1q31.3.
Variant type: single nucleotide variant.
Coding change: c.8187A>G on transcript NM_018136.5 (MANE Select); coding-DNA position 8187, A replaced by G.
Protein change: p.Lys2729=; no amino-acid change (lysine 2729 retained).
Molecular consequence: synonymous variant. On other transcripts: intron variant (1).
Genome position (GRCh38, 1-based): chr1:197,101,064, T>C on the plus strand (A>G on the coding strand, the complement: ASPM is on the minus strand). VCF-style: chr1-197101064-T-C. GRCh37 (hg19) VCF-style: chr1-197070194-T-C.
Other names: c.4066-4900A>G (NM_001206846.2).
Identifiers: ClinVar variation 512386 (VCV000512386.10), dbSNP rs779442940, ClinGen allele CA1309272.

ClinVar aggregate classification (germline): Likely benign. Review status: criteria provided, multiple submitters, no conflicts (2 of 4 stars). 4 submissions from 4 submitters: Likely benign (4). Last evaluated 2025-05-21.

Conditions:
Microcephaly 5, primary, autosomal recessive (MCPH5). Also called: ASPM Primary Microcephaly. Identifiers: Orphanet 2512, MedGen C1837501, MONDO:0012106, OMIM 608716.

Allele frequency attached by ClinVar (database versions not stated): gnomAD exomes 0.00001 and 0.00002; ExAC 0.00002; TOPMed 0.00015; gnomAD 0.00016.
gnomAD v4.1: 36 of 1,611,340 alleles (0.0022%); highest among the groups gnomAD compares: African/African-American, 0.039%; no homozygotes.

Submissions (4):

Labcorp Genetics (formerly Invitae), Labcorp
Classification: Likely benign. Last evaluated: 2025-05-21. Review status: criteria provided, single submitter. Criteria: Invitae Variant Classification Sherloc (09022015). Collection method: clinical testing. Allele origin: germline.

Women's Health and Genetics/Laboratory Corporation of America, LabCorp
Classification: Likely benign. Last evaluated: 2023-09-26. Review status: criteria provided, single submitter. Criteria: LabCorp Variant Classification Summary - May 2015. Collection method: clinical testing. Allele origin: germline.

Genome-Nilou Lab
Classification: Likely benign for Microcephaly 5, primary, autosomal recessive. Last evaluated: 2023-04-11. Review status: criteria provided, single submitter. Criteria: ACMG Guidelines, 2015. Collection method: clinical testing. Allele origin: germline. Affected: no.

GeneDx
Classification: Likely benign. Last evaluated: 2017-09-29. Review status: criteria provided, single submitter. Criteria: GeneDx Variant Classification (06012015). Collection method: clinical testing. Allele origin: germline. Affected: yes.
Comment: This variant is considered likely benign or benign based on one or more of the following criteria: it is a conservative change, it occurs at a poorly conserved position in the protein, it is predicted to be benign by multiple in silico algorithms, and/or has population frequency not consistent with disease.